The following is an entry in ClinVar:

ClinVar aggregate classification (germline): Uncertain significance (1 of 4 stars; one submission).

Conditions:
Congenital hypothalamic hamartoma syndrome. Also called: PALLISTER-HALL-LIKE SYNDROME. Identifiers: MedGen C5435677, MONDO:0009436, OMIM 241800.

Submission:

OLLIN Analises Genomicas, OLLIN
Classification: Uncertain significance for Congenital hypothalamic hamartoma syndrome. Last evaluated: 2026-02-13. Review status: criteria provided, single submitter. Criteria: ACMG Guidelines 2015 PMID 25741868. Collection method: clinical testing. Allele origin: germline. Observed: 1 variant allele.
Comment: PM2_P, PP3

NM_005631.5(SMO):c.1376C>T (p.Ala459Val)

Gene: SMO (smoothened, frizzled class receptor; plus strand). Cytogenetic location: 7q32.1.
Variant type: single nucleotide variant.
Coding change: c.1376C>T on transcript NM_005631.5 (MANE Select); coding-DNA position 1376, C replaced by T.
Protein change: p.Ala459Val; replaces alanine 459 with valine.
Molecular consequence: missense variant.
Genome position (GRCh38, 1-based): chr7:129,209,307, C>T. VCF-style: chr7-129209307-C-T. GRCh37 (hg19) VCF-style: chr7-128849148-C-T.
Other names: short protein forms A459V.
Identifiers: ClinVar variation 4814106 (VCV004814106.1).